The following is an entry in ClinVar:

NM_206933.4(USH2A):c.10758C>A (p.Thr3586=)

Gene: USH2A (usherin; minus strand). Cytogenetic location: 1q41.
Variant type: single nucleotide variant.
Coding change: c.10758C>A on transcript NM_206933.4 (MANE Select); coding-DNA position 10758, C replaced by A.
Protein change: p.Thr3586=; no amino-acid change (threonine 3586 retained).
Molecular consequence: synonymous variant.
Genome position (GRCh38, 1-based): chr1:215,780,024, G>T on the plus strand (C>A on the coding strand, the complement: USH2A is on the minus strand). VCF-style: chr1-215780024-G-T. GRCh37 (hg19) VCF-style: chr1-215953366-G-T.
Other names: c.10758C>A (NM_206933.2).
Identifiers: ClinVar variation 1571402 (VCV001571402.10), dbSNP rs780888992, ClinGen allele CA37435902.

ClinVar aggregate classification (germline): Likely benign. Review status: criteria provided, multiple submitters, no conflicts (2 of 4 stars). 2 submissions from 2 submitters: Likely benign (2). Last evaluated 2024-11-06.

Conditions:
USH2A-related disorder. Also called: USH2A-related condition; USH2A-related disorders. Identifiers: MedGen CN239332.

Allele frequency attached by ClinVar (database versions not stated): TOPMed below 0.00001; gnomAD 0.00001; gnomAD exomes 0.00001.
gnomAD v4.1: 14 of 1,613,924 alleles (0.00087%); highest among the groups gnomAD compares: Non-Finnish European, 0.0012%; no homozygotes.

Submissions (2):

PreventionGenetics, part of Exact Sciences
Classification: Likely benign for USH2A-related condition. Last evaluated: 2024-11-06. Review status: criteria provided, single submitter. Criteria: ACMG Guidelines, 2015. Collection method: clinical testing. Allele origin: germline.
Comment: This variant is classified as likely benign based on ACMG/AMP sequence variant interpretation guidelines (Richards et al. 2015 PMID: 25741868, with internal and published modifications).

Labcorp Genetics (formerly Invitae), Labcorp
Classification: Likely benign. Last evaluated: 2024-10-26. Review status: criteria provided, single submitter. Criteria: Invitae Variant Classification Sherloc (09022015). Collection method: clinical testing. Allele origin: germline.